The following is an entry in ClinVar:

ClinVar aggregate classification (germline): Uncertain significance (1 of 4 stars; one submission).

Conditions:
Rhabdoid tumor predisposition syndrome 2 (RTPS2). Identifiers: Orphanet 231108, Orphanet 69077, MedGen C2750074, MONDO:0013224, OMIM 613325.

Submission:

Labcorp Genetics (formerly Invitae), Labcorp
Classification: Uncertain significance for Rhabdoid tumor predisposition syndrome 2. Last evaluated: 2022-11-01. Review status: criteria provided, single submitter. Criteria: Invitae Variant Classification Sherloc (09022015). Collection method: clinical testing. Allele origin: germline.
Comment: This sequence change falls in intron 13 of the SMARCA4 gene. It does not directly change the encoded amino acid sequence of the SMARCA4 protein. It affects a nucleotide within the consensus splice site. This variant is not present in population databases (gnomAD no frequency). This variant has not been reported in the literature in individuals affected with SMARCA4-related conditions. Variants that disrupt the consensus splice site are a relatively common cause of aberrant splicing (PMID: 17576681, 9536098). Algorithms developed to predict the effect of sequence changes on RNA splicing suggest that this variant is not likely to affect RNA splicing. In summary, the available evidence is currently insufficient to determine the role of this variant in disease. Therefore, it has been classified as a Variant of Uncertain Significance.

Literature cited by the submitters: PubMed 17576681; PubMed 9536098.

NM_003072.5(SMARCA4):c.2001+6A>G

Gene: SMARCA4 (SWI/SNF related BAF chromatin remodeling complex subunit ATPase 4; plus strand). Cytogenetic location: 19p13.2.
Variant type: single nucleotide variant.
Coding change: c.2001+6A>G on transcript NM_003072.5 (MANE Select); 6 bases into the intron after coding-DNA position 2001, A replaced by G.
Molecular consequence: intron variant.
Genome position (GRCh38, 1-based): chr19:11,003,403, A>G. VCF-style: chr19-11003403-A-G. GRCh37 (hg19) VCF-style: chr19-11114079-A-G.
Other names: c.2001+6A>G (NM_001128844.3, NM_001128849.3, NM_001128847.4 and 6 more transcripts).
Identifiers: ClinVar variation 2811161 (VCV002811161.3), dbSNP rs2146110056, ClinGen allele CA2739276439.